The following is an entry in ClinVar:

NM_001365088.1(SLC12A6):c.1705C>T (p.Pro569Ser)

Gene: SLC12A6 (solute carrier family 12 member 6; minus strand). Cytogenetic location: 15q14.
Variant type: single nucleotide variant.
Coding change: c.1705C>T on transcript NM_001365088.1 (MANE Select); coding-DNA position 1705, C replaced by T.
Protein change: p.Pro569Ser; replaces proline 569 with serine.
Molecular consequence: missense variant.
Genome position (GRCh38, 1-based): chr15:34,245,812, G>A on the plus strand (C>T on the coding strand, the complement: SLC12A6 is on the minus strand). VCF-style: chr15-34245812-G-A. GRCh37 (hg19) VCF-style: chr15-34538013-G-A.
Other names: c.1528C>T, p.Pro510Ser (NM_001042494.2, NM_001042495.2); c.1678C>T, p.Pro560Ser (NM_001042496.2); c.1660C>T, p.Pro554Ser (NM_001042497.2); c.1552C>T, p.Pro518Ser (NM_005135.2); c.1705C>T, p.Pro569Ser (NM_133647.2); short protein forms P569S, P510S, P518S, P554S, P560S.
Identifiers: ClinVar variation 4738128 (VCV004738128.1).

ClinVar aggregate classification (germline): Uncertain significance (1 of 4 stars; one submission).

gnomAD v4.1: 9 of 1,613,614 alleles (0.00056%); highest among the groups gnomAD compares: Non-Finnish European, 0.00076%; no homozygotes.

Submission:

Labcorp Genetics (formerly Invitae), Labcorp
Classification: Uncertain significance. Last evaluated: 2025-07-16. Review status: criteria provided, single submitter. Criteria: Invitae Variant Classification Sherloc (09022015). Collection method: clinical testing. Allele origin: germline.
Comment: This sequence change replaces proline, which is neutral and non-polar, with serine, which is neutral and polar, at codon 569 of the SLC12A6 protein (p.Pro569Ser). This variant is not present in population databases (gnomAD no frequency). This variant has not been reported in the literature in individuals affected with SLC12A6-related conditions. Invitae Evidence Modeling of protein sequence and biophysical properties (such as structural, functional, and spatial information, amino acid conservation, physicochemical variation, residue mobility, and thermodynamic stability) indicates that this missense variant is not expected to disrupt SLC12A6 protein function with a negative predictive value of 80%. In summary, the available evidence is currently insufficient to determine the role of this variant in disease. Therefore, it has been classified as a Variant of Uncertain Significance.